The following is an entry in ClinVar:

ClinVar aggregate classification (germline): Uncertain significance. Review status: criteria provided, multiple submitters, no conflicts (2 of 4 stars). 2 submissions from 2 submitters: Uncertain significance (2). Last evaluated 2026-01-14.

Conditions:
Sotos syndrome (SOTOS). Also called: Distinctive facial appearance, overgrowth in childhood, and learning disabilities or delayed development; SOTOS SYNDROME 1; CHROMOSOME 5q35 DELETION SYNDROME; CEREBRAL GIGANTISM; Sotos' syndrome. Identifiers: Orphanet 821, MedGen C0175695, MONDO:0019349, OMIM 117550.
NSD1-related disorder. Also called: NSD1-related condition.

gnomAD v4.1: 2 of 1,614,124 alleles (0.00012%); highest among the groups gnomAD compares: Admixed American, 0.0017%; no homozygotes.

Submissions (2):

PreventionGenetics, part of Exact Sciences
Classification: Uncertain significance for NSD1-related condition. Last evaluated: 2026-01-14. Review status: criteria provided, single submitter. Criteria: ACMG Guidelines, 2015. Collection method: clinical testing. Allele origin: germline.
Comment: The NSD1 c.2745A>C variant is predicted to result in the amino acid substitution p.Lys915Asn. To our knowledge, this variant has not been reported in the literature or in a large population database (gnomAD), indicating this variant is rare. At this time, the clinical significance of this variant is uncertain due to the absence of conclusive functional and genetic evidence.

Fulgent Genetics
Classification: Uncertain significance for Sotos syndrome. Last evaluated: 2024-01-11. Review status: criteria provided, single submitter. Criteria: ACMG Guidelines, 2015. Collection method: clinical testing. Allele origin: germline.

NM_022455.5(NSD1):c.2745A>C (p.Lys915Asn)

Gene: NSD1 (nuclear receptor binding SET domain protein 1; plus strand). Cytogenetic location: 5q35.3.
Variant type: single nucleotide variant.
Coding change: c.2745A>C on transcript NM_022455.5 (MANE Select); coding-DNA position 2745, A replaced by C.
Protein change: p.Lys915Asn; replaces lysine 915 with asparagine.
Molecular consequence: missense variant.
Genome position (GRCh38, 1-based): chr5:177,211,144, A>C. VCF-style: chr5-177211144-A-C. GRCh37 (hg19) VCF-style: chr5-176638145-A-C.
Other names: c.2745A>C, p.Lys915Asn (NM_001409302.1, NM_001409303.1, NM_001409301.1); c.2325A>C, p.Lys775Asn (NM_001409304.1); c.1992A>C, p.Lys664Asn (NM_001409305.1); c.1872A>C, p.Lys624Asn (NM_001409306.1, NM_001409307.1, NM_001409308.1 and 3 more transcripts); short protein forms K624N, K915N, K664N, K775N.
Identifiers: ClinVar variation 3592014 (VCV003592014.2).